The following is an entry in ClinVar:

ClinVar aggregate classification (germline): Uncertain significance (1 of 4 stars; one submission).

Allele frequency attached by ClinVar (database versions not stated): gnomAD 0.00002.
gnomAD v4.1: 5 of 1,613,276 alleles (0.00031%); highest among the groups gnomAD compares: Non-Finnish European, 0.00042%; no homozygotes.

Submission:

Labcorp Genetics (formerly Invitae), Labcorp
Classification: Uncertain significance. Last evaluated: 2022-04-28. Review status: criteria provided, single submitter. Criteria: Invitae Variant Classification Sherloc (09022015). Collection method: clinical testing. Allele origin: germline.
Comment: In summary, the available evidence is currently insufficient to determine the role of this variant in disease. Therefore, it has been classified as a Variant of Uncertain Significance. Algorithms developed to predict the effect of missense changes on protein structure and function (SIFT, PolyPhen-2, Align-GVGD) all suggest that this variant is likely to be tolerated. This variant has not been reported in the literature in individuals affected with CLCN6-related conditions. This variant is not present in population databases (gnomAD no frequency). This sequence change replaces valine, which is neutral and non-polar, with glycine, which is neutral and non-polar, at codon 629 of the CLCN6 protein (p.Val629Gly).

NM_001286.5(CLCN6):c.1886T>G (p.Val629Gly)

Gene: CLCN6 (chloride voltage-gated channel 6; plus strand). Cytogenetic location: 1p36.22.
Variant type: single nucleotide variant.
Coding change: c.1886T>G on transcript NM_001286.5 (MANE Select); coding-DNA position 1886, T replaced by G.
Protein change: p.Val629Gly; replaces valine 629 with glycine.
Molecular consequence: missense variant. On other transcripts: non-coding transcript variant (1).
Genome position (GRCh38, 1-based): chr1:11,836,059, T>G. VCF-style: chr1-11836059-T-G. GRCh37 (hg19) VCF-style: chr1-11896116-T-G.
Other names: c.1820T>G, p.Val607Gly (NM_001256959.2); short protein forms V607G, V629G.
Identifiers: ClinVar variation 1965095 (VCV001965095.5), dbSNP rs894529319, ClinGen allele CA18003655.
Genomic context (GRCh38, chr1:11,836,059, plus strand): 5'-TGACCTACGTCTACCCGCACACCCGCATCCAGTCTCTGGTGAGCATCCTGCGCACCACGG[T>G]CCACCATGCCTTCCCGGTGGTCACAGAGAACCGCGGTAACGAGAAGGAGTTCATGAAGGG-3'
Protein context (NP_001277.2, residues 619-639): QSLVSILRTT[Val629Gly]HHAFPVVTEN